The following is an entry in ClinVar:

ClinVar aggregate classification (germline): Uncertain significance (1 of 4 stars; one submission).

gnomAD v4.1: 5 of 1,614,012 alleles (0.00031%); highest among the groups gnomAD compares: Admixed American, 0.0083%; no homozygotes.

Submission:

Labcorp Genetics (formerly Invitae), Labcorp
Classification: Uncertain significance. Last evaluated: 2026-01-18. Review status: criteria provided, single submitter. Criteria: Invitae Variant Classification Sherloc (09022015). Collection method: clinical testing. Allele origin: germline.
Comment: This sequence change replaces glycine, which is neutral and non-polar, with serine, which is neutral and polar, at codon 222 of the SLC9A3R1 protein (p.Gly222Ser). This variant is present in population databases (rs777298818, gnomAD 0.01%). This variant has not been reported in the literature in individuals affected with SLC9A3R1-related conditions. An algorithm developed to predict the effect of missense changes on protein structure and function outputs the following: PolyPhen-2: "Possibly Damaging". The serine amino acid residue is found in multiple mammalian species, which suggests that this missense change does not adversely affect protein function. In summary, the available evidence is currently insufficient to determine the role of this variant in disease. Therefore, it has been classified as a Variant of Uncertain Significance.

NM_004252.5(NHERF1):c.664G>A (p.Gly222Ser)

Gene: NHERF1 (NHERF family PDZ scaffold protein 1; plus strand). Cytogenetic location: 17q25.1.
Variant type: single nucleotide variant.
Coding change: c.664G>A on transcript NM_004252.5 (MANE Select); coding-DNA position 664, G replaced by A.
Protein change: p.Gly222Ser; replaces glycine 222 with serine.
Molecular consequence: missense variant.
Genome position (GRCh38, 1-based): chr17:74,763,427, G>A. VCF-style: chr17-74763427-G-A. GRCh37 (hg19) VCF-style: chr17-72759566-G-A.
Other names: short protein forms G222S.
Identifiers: ClinVar variation 4748124 (VCV004748124.1).
Genomic context (GRCh38, chr17:74,763,427, plus strand): 5'-GTGAACGGGGTCTGCATGGAGGGGAAGCAGCATGGGGACGTGGTGTCCGCCATCAGGGCT[G>A]GCGGGGACGAGACCAAGCTGCTGGTGGTGGACAGGGAAACTGACGAGTTCTTCAAGAAAT-3'
Protein context (NP_004243.1, residues 212-232): HGDVVSAIRA[Gly222Ser]GDETKLLVVD